The following is an entry in ClinVar:

ClinVar aggregate classification (germline): Pathogenic (1 of 4 stars; one submission).

Conditions:
Ehlers-Danlos syndrome, dermatosparaxis type. Also called: EDS VIIC; Dermatosparaxis; Ehlers-Danlos syndrome, type VII, autosomal recessive. Identifiers: Orphanet 1901, MedGen C2700425, MONDO:0009161, OMIM 225410.

Submission:

Myriad Genetics, Inc.
Classification: Pathogenic for Ehlers-Danlos syndrome, dermatosparaxis type. Last evaluated: 2024-05-14. Review status: criteria provided, single submitter. Criteria: Myriad Autosomal Dominant, Autosomal Recessive and X-Linked Classification Criteria (2023). Collection method: clinical testing. Allele origin: unknown.
Comment: NM_014244.4(ADAMTS2):c.72_73ins13(P25Yfs*45) is expected to be pathogenic in the context of Ehlers-Danlos syndrome, ADAMTS2-related. This variant is predicted to lead to an abnormal or absent protein product due to the creation of a premature termination codon in ADAMTS2, a gene where loss-of-function variants are known to be pathogenic. Please note: this variant was assessed in the context of healthy population screening.

NM_014244.5(ADAMTS2):c.72_73insTATAAGAGACAGT (p.Pro25fs)

Gene: ADAMTS2 (ADAM metallopeptidase with thrombospondin type 1 motif 2; minus strand). Cytogenetic location: 5q35.3.
Variant type: Insertion.
Coding change: c.72_73insTATAAGAGACAGT on transcript NM_014244.5 (MANE Select); coding-DNA positions 72 to 73, TATAAGAGACAGT inserted.
Protein change: p.Pro25fs; shifts the reading frame from proline 25.
Molecular consequence: frameshift variant.
Genome position: GRCh38 VCF-style: chr5-179345256-G-GACTGTCTCTTATA. GRCh37 (hg19) VCF-style: chr5-178772257-G-GACTGTCTCTTATA.
Other names: c.72_73insTATAAGAGACAGT, p.Pro25fs (NM_021599.4); short protein forms P25fs.
Identifiers: ClinVar variation 5010547 (VCV005010547.1).